The following is an entry in ClinVar:

ClinVar aggregate classification (germline): Pathogenic (1 of 4 stars; one submission).

Submission:

Labcorp Genetics (formerly Invitae), Labcorp
Classification: Pathogenic. Last evaluated: 2025-11-02. Review status: criteria provided, single submitter. Criteria: Invitae Variant Classification Sherloc (09022015). Collection method: clinical testing. Allele origin: germline.
Comment: This sequence change creates a premature translational stop signal (p.Glu292*) in the GDF5 gene. While this is not anticipated to result in nonsense mediated decay, it is expected to disrupt the last 210 amino acid(s) of the GDF5 protein. This variant is not present in population databases (gnomAD no frequency). This variant has not been reported in the literature in individuals affected with GDF5-related conditions. This variant disrupts a region of the GDF5 protein in which other variant(s) (p.Tyr487*) have been determined to be pathogenic (PMID: 18283415; internal data). This suggests that this is a clinically significant region of the protein, and that variants that disrupt it are likely to be disease-causing. For these reasons, this variant has been classified as Pathogenic.

Literature cited by the submitters: PubMed 18283415.

NM_000557.5(GDF5):c.874G>T (p.Glu292Ter)

Genes: GDF5 (growth differentiation factor 5; minus strand), GDF5-AS1 (GDF5 antisense RNA 1; plus strand). Cytogenetic location: 20q11.22.
Variant type: single nucleotide variant.
Coding change: c.874G>T on transcript NM_000557.5 (MANE Select); coding-DNA position 874, G replaced by T.
Protein change: p.Glu292Ter; replaces glutamic acid 292 with a stop codon.
Molecular consequence: nonsense. On other transcripts: non-coding transcript variant (1).
Genome position (GRCh38, 1-based): chr20:35,434,541, C>A on the plus strand (G>T on the coding strand, the complement: GDF5 is on the minus strand). VCF-style: chr20-35434541-C-A. GRCh37 (hg19) VCF-style: chr20-34022339-C-A.
Other names: c.874G>T, p.Glu292Ter (NM_001319138.2); short protein forms E292*.
Identifiers: ClinVar variation 4729300 (VCV004729300.1).